The following is an entry in ClinVar:

NM_032193.4(RNASEH2C):c.10G>A (p.Gly4Ser)

Gene: RNASEH2C (ribonuclease H2 subunit C; minus strand). Cytogenetic location: 11q13.1.
Variant type: single nucleotide variant.
Coding change: c.10G>A on transcript NM_032193.4 (MANE Select); coding-DNA position 10, G replaced by A.
Protein change: p.Gly4Ser; replaces glycine 4 with serine.
Molecular consequence: missense variant.
Genome position (GRCh38, 1-based): chr11:65,720,749, C>T on the plus strand (G>A on the coding strand, the complement: RNASEH2C is on the minus strand). VCF-style: chr11-65720749-C-T. GRCh37 (hg19) VCF-style: chr11-65488220-C-T.
Other names: short protein forms G4S.
Identifiers: ClinVar variation 1420916 (VCV001420916.8), dbSNP rs1857363681, ClinGen allele CA381299758.

ClinVar aggregate classification (germline): Uncertain significance (1 of 4 stars; one submission).

Conditions:
Aicardi-Goutieres syndrome 3. Identifiers: Orphanet 51, MedGen C1835916, MONDO:0012471, OMIM 610329.

Allele frequency attached by ClinVar (database versions not stated): gnomAD exomes below 0.00001.
gnomAD v4.1: 3 of 1,592,198 alleles (0.00019%); highest among the groups gnomAD compares: Non-Finnish European, 0.00026%; no homozygotes.

Submission:

Labcorp Genetics (formerly Invitae), Labcorp
Classification: Uncertain significance for Aicardi-Goutieres syndrome 3. Last evaluated: 2022-02-11. Review status: criteria provided, single submitter. Criteria: Invitae Variant Classification Sherloc (09022015). Collection method: clinical testing. Allele origin: germline.
Comment: This sequence change replaces glycine, which is neutral and non-polar, with serine, which is neutral and polar, at codon 4 of the RNASEH2C protein (p.Gly4Ser). In summary, the available evidence is currently insufficient to determine the role of this variant in disease. Therefore, it has been classified as a Variant of Uncertain Significance. Algorithms developed to predict the effect of missense changes on protein structure and function output the following: SIFT: "Tolerated"; PolyPhen-2: "Benign"; Align-GVGD: "Class C0". The serine amino acid residue is found in multiple mammalian species, which suggests that this missense change does not adversely affect protein function. This variant has not been reported in the literature in individuals affected with RNASEH2C-related conditions. This variant is not present in population databases (gnomAD no frequency).